The following is an entry in ClinVar:

NM_005050.4(ABCD4):c.552_564del (p.Gly183_Trp184insTer)

Gene: ABCD4 (ATP binding cassette subfamily D member 4; minus strand). Cytogenetic location: 14q24.3.
Variant type: Deletion.
Coding change: c.552_564del on transcript NM_005050.4 (MANE Select); coding-DNA positions 552 to 564, 13 bases deleted (GCTCGGGCCTGTG).
Protein change: p.Gly183_Trp184insTer.
Molecular consequence: nonsense. On other transcripts: 5 prime UTR variant (9), non-coding transcript variant (10), intron variant (2).
Genome position (GRCh38, 1-based): chr14:74,295,958-74,295,970, CACAGGCCCGAGC deleted on the plus strand (GCTCGGGCCTGTG on the coding strand, the reverse complement: ABCD4 is on the minus strand); deleting any 13 consecutive bases within chr14:74,295,958-74,295,972 gives the same sequence; the c. name uses the placement nearest the transcript's 3' end. VCF-style (leftmost placement, unchanged base first): chr14-74295957-TCACAGGCCCGAGC-T. GRCh37 (hg19) VCF-style: chr14-74762660-TCACAGGCCCGAGC-T.
Other names: c.552_564del13 (NM_005050.4); c.291_303del, p.Gly96_Trp97insTer (NM_001353593.2, NM_001353594.2); c.138_150del, p.Gly45_Trp46insTer (NM_001353595.2, NM_001353596.2, NM_001353597.2); c.75_87del, p.Gly24_Trp25insTer (NM_001353598.2, NM_001353599.2, NM_001353600.2 and 2 more transcripts); c.-143_-131del (NM_001353602.2, NM_001353603.2, NM_001353604.2 and 6 more transcripts); c.552_564del, p.Gly183_Trp184insTer (NM_020325.3); c.542+363_542+375del (NM_001353591.2, NM_001353592.2).
Identifiers: ClinVar variation 3902357 (VCV003902357.1).

ClinVar aggregate classification (germline): Pathogenic (1 of 4 stars; one submission).

Conditions:
Cobalamin C disease. Also called: Methylmalonic aciduria and homocystinuria, Vitamin B12-responsive; Vitamin B12 metabolic defect with combined deficiency of methylmalonyl-CoA mutase and homocysteine:methyltetrahydrofolate methyltransferase; methylmalonic aciduria and homocystinuria type cblC; Cobalamin-C methylmalonic acidemia and homocystinuria; Methylmalonic acidemia and homocystinuria cblC type; Methylmalonic aciduria with homocystinuria cblC type. Identifiers: Orphanet 26, Orphanet 79282, MedGen C1848561, MONDO:0010184, OMIM 277400.

Submission:

Women's Health and Genetics/Laboratory Corporation of America, LabCorp
Classification: Pathogenic for Cobalamin C disease. Last evaluated: 2025-05-09. Review status: criteria provided, single submitter. Criteria: LabCorp Variant Classification Summary - May 2015. Collection method: clinical testing. Allele origin: germline.
Comment: Variant summary: ABCD4 c.552_564del13 (p.Trp184X) results in a premature termination codon, predicted to cause a truncation of the encoded protein or absence of the protein due to nonsense mediated decay, which are commonly known mechanisms for disease. The variant was absent in 248182 control chromosomes. To our knowledge, no occurrence of c.552_564del13 in individuals affected with Methylmalonic Acidemia With Homocystinuria and no experimental evidence demonstrating its impact on protein function have been reported. No submitters have cited clinical-significance assessments for this variant to ClinVar. Based on the evidence outlined above, the variant was classified as pathogenic.